The following is an entry in ClinVar:

NM_001276270.2(MBD4):c.645AGA[1] (p.Glu216del)

Gene: MBD4 (methyl-CpG binding domain 4, DNA glycosylase; minus strand). Cytogenetic location: 3q21.3.
Variant type: Microsatellite.
Coding change: c.645AGA[1] on transcript NM_001276270.2 (MANE Select); one copy of the 3-base unit AGA starting at c.645; the reference has two copies in a row; one copy, 3 bases deleted.
Protein change: p.Glu216del; deletes glutamic acid 216.
Molecular consequence: intron variant (on NM_001276273.2).
Genome position (GRCh38, 1-based): chr3:129,436,994-129,436,996, TCT deleted on the plus strand (AGA on the coding strand, the reverse complement: MBD4 is on the minus strand); deleting any 3 consecutive bases within chr3:129,436,994-129,437,000 gives the same sequence; the position shown is the placement nearest the transcript's 3' end. VCF-style (leftmost placement, unchanged base first): chr3-129436993-ATCT-A. GRCh37 (hg19) VCF-style: chr3-129155836-ATCT-A.
Other names: c.648_650delAGA (NM_001276270.2); c.645AGA[1], p.Glu216del (NM_001276271.2, NM_001276272.2, NM_003925.3); c.247+812_247+814del (NM_001276273.2); short protein forms E216del.
Identifiers: ClinVar variation 3680532 (VCV003680532.3).

ClinVar aggregate classification (germline): Uncertain significance. Review status: criteria provided, multiple submitters, no conflicts (2 of 4 stars). 2 submissions from 2 submitters: Uncertain significance (2). Last evaluated 2025-04-10.

Conditions:
Inborn genetic diseases. Identifiers: MedGen C0950123, MeSH D030342.

Submissions (2):

Ambry Genetics
Classification: Uncertain significance for Inborn genetic diseases. Last evaluated: 2025-04-10. Review status: criteria provided, single submitter. Criteria: Ambry Variant Classification Scheme 2023. Collection method: clinical testing. Allele origin: germline.
Comment: The c.648_650delAGA variant (also known as p.E216del) is located in coding exon 3 of the MBD4 gene. This variant results from an in-frame AGA deletion at nucleotide positions 648 to 650. This results in the in-frame deletion of a glutamic acid at codon 216. This amino acid position is well conserved in available vertebrate species. In addition, this alteration is predicted to be neutral by in silico analysis (Choi Y et al. PLoS ONE. 2012; 7(10):e46688). Based on the available evidence, the clinical significance of this variant remains unclear.

Labcorp Genetics (formerly Invitae), Labcorp
Classification: Uncertain significance. Last evaluated: 2024-06-12. Review status: criteria provided, single submitter. Criteria: Invitae Variant Classification Sherloc (09022015). Collection method: clinical testing. Allele origin: germline.
Comment: This variant, c.648_650del, results in the deletion of 1 amino acid(s) of the MBD4 protein (p.Glu216del), but otherwise preserves the integrity of the reading frame. This variant is not present in population databases (gnomAD no frequency). This variant has not been reported in the literature in individuals affected with MBD4-related conditions. Experimental studies and prediction algorithms are not available or were not evaluated, and the functional significance of this variant is currently unknown. In summary, the available evidence is currently insufficient to determine the role of this variant in disease. Therefore, it has been classified as a Variant of Uncertain Significance.